The following is an entry in ClinVar:

ClinVar aggregate classification (germline): Likely benign (1 of 4 stars; one submission).

Allele frequency attached by ClinVar (database versions not stated): 1000 Genomes Project 0.00100; ExAC 0.00122; 1000 Genomes Project 30x 0.00187; gnomAD 0.00479 and 0.00512; gnomAD exomes 0.00510 and 0.00511; TOPMed 0.00548.
gnomAD v4.1: 1,835 of 363,372 alleles (0.5%); highest among the groups gnomAD compares: Non-Finnish European, 0.79%; 11 homozygotes.

Submission:

CeGaT Center for Human Genetics Tuebingen
Classification: Likely benign. Last evaluated: 2023-07-01. Review status: criteria provided, single submitter. Criteria: CeGaT Center For Human Genetics Tuebingen Variant Classification Criteria Version 2. Collection method: clinical testing. Allele origin: germline. Affected: yes. Observed: 8 variant alleles.
Comment: PLA2G6: BS2

NM_003560.4(PLA2G6):c.425+464C>T

Gene: PLA2G6 (phospholipase A2 group VI; minus strand). Cytogenetic location: 22q13.1.
Variant type: single nucleotide variant.
Coding change: c.425+464C>T on transcript NM_003560.4 (MANE Select); 464 bases into the intron after coding-DNA position 425, C replaced by T.
Molecular consequence: intron variant.
Genome position (GRCh38, 1-based): chr22:38,144,974, G>A on the plus strand (C>T on the coding strand, the complement: PLA2G6 is on the minus strand). VCF-style: chr22-38144974-G-A. GRCh37 (hg19) VCF-style: chr22-38540981-G-A.
Other names: c.-66+464C>T (NM_001349868.2); c.425+464C>T (NM_001349866.2, NM_001199562.3, NM_001349865.2 and 2 more transcripts); c.-110+464C>T (NM_001349869.2, NM_001349867.2).
Identifiers: ClinVar variation 1701440 (VCV001701440.31), dbSNP rs11570633, ClinGen allele CA10231264.